The following is an entry in ClinVar:

ClinVar aggregate classification (germline): Pathogenic. Review status: criteria provided, multiple submitters, no conflicts (2 of 4 stars). 5 submissions from 5 submitters: Pathogenic (4). 1 of the submissions does not count toward it. Last evaluated 2024-07-03.

Conditions:
CYBB-related disorder. Also called: CYBB-related condition.
Granulomatous disease, chronic, X-linked. Also called: GRANULOMATOUS DISEASE, CHRONIC, X-LINKED, SOMATIC MOSAIC; CYTOCHROME b-NEGATIVE GRANULOMATOUS DISEASE, CHRONIC, X-LINKED. Identifiers: Orphanet 379, MedGen C1844376, MONDO:0010600, OMIM 306400.

Submissions (5):

GeneDx
Classification: Pathogenic. Last evaluated: 2024-07-03. Review status: criteria provided, single submitter. Criteria: GeneDx Variant Classification Process June 2021. Collection method: clinical testing. Allele origin: germline. Affected: yes.
Comment: Nonsense variant predicted to result in protein truncation or nonsense mediated decay in a gene for which loss of function is a known mechanism of disease; Not observed at significant frequency in large population cohorts (gnomAD); This variant is associated with the following publications: (PMID: 11462241, 28153086, 35140711, 25525159, 1710153, 26453586, 29560547, 30470980, 31594065, 31269551, 32040803, 33365035, 33717137, 35728702, 35874699)

PreventionGenetics, part of Exact Sciences
Classification: Pathogenic for CYBB-related condition. Last evaluated: 2023-08-15. Review status: criteria provided, single submitter. Criteria: ACMG Guidelines, 2015. Collection method: clinical testing. Allele origin: germline.
Comment: The CYBB c.217C>T variant is predicted to result in premature protein termination (p.Arg73*). This variant has been reported in individual with X-linked chronic granulomatous disease (Bolscher et al. 1991. PubMed ID: 1710153; Roos et al. 2010. PubMed ID: 20729109; Chan et al. 2022. PubMed ID: 35874699). This variant has not been reported in a large population database, indicating this variant is rare. Nonsense variants in CYBB are expected to be pathogenic. This variant is interpreted as pathogenic.

Revvity Omics, Revvity
Classification: Pathogenic. Last evaluated: 2022-09-12. Review status: criteria provided, single submitter. Criteria: ACMG Guidelines, 2015. Collection method: clinical testing. Allele origin: germline.

Labcorp Genetics (formerly Invitae), Labcorp
Classification: Pathogenic for Granulomatous disease, chronic, X-linked. Last evaluated: 2018-09-11. Review status: criteria provided, single submitter. Criteria: Invitae Variant Classification Sherloc (09022015). Collection method: clinical testing. Allele origin: germline.
Comment: For these reasons, this variant has been classified as Pathogenic. Loss-of-function variants in CYBB are known to be pathogenic (PMID: 9585602, 20729109). This variant has been reported in individuals affected with X-linked chronic granulomatous disease (PMID: 1710153, 11462241, 24999735, 26453586, 20729109). ClinVar contains an entry for this variant (Variation ID: 10923). This variant is not present in population databases (ExAC no frequency). This sequence change creates a premature translational stop signal (p.Arg73*) in the CYBB gene. It is expected to result in an absent or disrupted protein product.

OMIM
Classification: Pathogenic for GRANULOMATOUS DISEASE, CHRONIC, X-LINKED. Last evaluated: 1991-06-01. Review status: no assertion criteria provided. Collection method: literature only. Allele origin: germline. Not counted in ClinVar's aggregate classification.

Literature cited by the submitters: PubMed 9585602 (cited by Labcorp Genetics (formerly Invitae), Labcorp); PubMed 20729109 (cited by Labcorp Genetics (formerly Invitae), Labcorp); PubMed 1710153 (cited by Labcorp Genetics (formerly Invitae), Labcorp and OMIM); PubMed 11462241 (cited by Labcorp Genetics (formerly Invitae), Labcorp); PubMed 24999735 (cited by Labcorp Genetics (formerly Invitae), Labcorp); PubMed 26453586 (cited by Labcorp Genetics (formerly Invitae), Labcorp).

NM_000397.4(CYBB):c.217C>T (p.Arg73Ter)

Gene: CYBB (cytochrome b-245 beta chain; plus strand). Cytogenetic location: Xp21.1.
Variant type: single nucleotide variant.
Coding change: c.217C>T on transcript NM_000397.4 (MANE Select); coding-DNA position 217, C replaced by T.
Protein change: p.Arg73Ter; replaces arginine 73 with a stop codon.
Molecular consequence: nonsense.
Genome position (GRCh38, 1-based): chrX:37,783,565, C>T. VCF-style: chrX-37783565-C-T. GRCh37 (hg19) VCF-style: chrX-37642818-C-T.
Other names: short protein forms R73*.
Identifiers: ClinVar variation 10923 (VCV000010923.16), dbSNP rs137854588, ClinGen allele CA121236.
Genomic context (GRCh38, chrX:37,783,565, plus strand): 5'-GCCAGGGCCCCTGCAGCCTGCCTGAATTTCAACTGCATGCTGATTCTCTTGCCAGTCTGT[C>T]GAAATCTGCTGTCCTTCCTCAGGGGTTCCAGTGCGGTAAGAGAAAATGTTTTACTAAGTT-3'